The following is an entry in ClinVar:

ClinVar aggregate classification (germline): Pathogenic/Likely pathogenic. Review status: criteria provided, multiple submitters, no conflicts (2 of 4 stars). 3 submissions from 3 submitters: Pathogenic (1); Likely pathogenic (1). 1 of the submissions does not count toward it. Last evaluated 2024-10-23.

Conditions:
SPG11-related disorder. Also called: SPG11-related condition.
Hereditary spastic paraplegia 11. Also called: SPASTIC PARAPLEGIA, AUTOSOMAL RECESSIVE, COMPLICATED, WITH THIN CORPUS CALLOSUM; SPASTIC PARAPLEGIA, AUTOSOMAL RECESSIVE, WITH MENTAL IMPAIRMENT AND THIN CORPUS CALLOSUM; Spastic Paraplegia 11; Spastic paraplegia, mental retardation and thin corpus callosum; Nakamura Osame syndrome; Autosomal recessive hereditary spastic paraplegia, mental impairment, and thin corpus callosum. Identifiers: Orphanet 2822, MedGen C1858479, MONDO:0011445, OMIM 604360.

Submissions (3):

GeneDx
Classification: Likely pathogenic. Last evaluated: 2024-10-23. Review status: criteria provided, single submitter. Criteria: GeneDx Variant Classification Process June 2021. Collection method: clinical testing. Allele origin: germline. Affected: yes.
Comment: Intronic variant directly or indirectly altering the +5 splice site in a gene for which loss of function is a known mechanism of disease, and splice predictors support a deleterious effect; Not observed at significant frequency in large population cohorts (gnomAD); This variant is associated with the following publications: (PMID: 18835492, 31900114, 20301389, 34256108, 35578252, 36380532, 32619247)

Blueprint Genetics
Classification: Pathogenic for SPG11-related disorders. Last evaluated: 2024-06-28. Review status: criteria provided, single submitter. Criteria: ACMG Guidelines, 2015. Collection method: clinical testing. Allele origin: germline. Affected: yes. Observed: 1 variant allele.

GeneReviews
No classification provided. Condition: Hereditary spastic paraplegia 11. Review status: no classification provided. Collection method: literature only. Allele origin: unknown. Not counted in ClinVar's aggregate classification.

Literature cited by the submitters: PubMed 18835492 (cited by GeneReviews); PubMed 20301389 (cited by GeneReviews); NCBI Bookshelf NBK1210 (cited by GeneReviews).

NM_025137.4(SPG11):c.7151+4_7151+7del

Gene: SPG11 (SPG11 vesicle trafficking associated, spatacsin; minus strand). Cytogenetic location: 15q21.1.
Variant type: Microsatellite.
Coding change: c.7151+4_7151+7del on transcript NM_025137.4 (MANE Select); bases 4 to 7 of the intron after coding-DNA position 7151, 4 bases deleted (AGTA; older notation c.7151+4_7151+7delAGTA).
Molecular consequence: splice donor variant.
Genome position (GRCh38, 1-based): chr15:44,564,540-44,564,543, TACT deleted on the plus strand (AGTA on the coding strand, the reverse complement: SPG11 is on the minus strand); deleting any 4 consecutive bases within chr15:44,564,540-44,564,548 gives the same sequence; the c. name uses the placement nearest the transcript's 3' end. VCF-style (leftmost placement, unchanged base first): chr15-44564539-ATACT-A. GRCh37 (hg19) VCF-style: chr15-44856737-ATACT-A.
Other names: c.7151+4_7151+7delAGTA (NM_025137.3); c.6812+4_6812+7del (NM_001160227.2).
Identifiers: ClinVar variation 41362 (VCV000041362.4), dbSNP rs312262791, ClinGen allele CA344395.